The following is an entry in ClinVar:

NM_001128159.3(VPS53):c.1416C>T (p.Ala472=)

Gene: VPS53 (VPS53 subunit of GARP complex; minus strand). Cytogenetic location: 17p13.3.
Variant type: single nucleotide variant.
Coding change: c.1416C>T on transcript NM_001128159.3 (MANE Select); coding-DNA position 1416, C replaced by T.
Protein change: p.Ala472=; no amino-acid change (alanine 472 retained).
Molecular consequence: synonymous variant.
Genome position (GRCh38, 1-based): chr17:562,643, G>A on the plus strand (C>T on the coding strand, the complement: VPS53 is on the minus strand). VCF-style: chr17-562643-G-A. GRCh37 (hg19) VCF-style: chr17-465883-G-A.
Other names: c.1416C>T, p.Ala472= (NM_001366253.2); c.822C>T, p.Ala274= (NM_001366254.2); c.1329C>T, p.Ala443= (NM_018289.4).
Identifiers: ClinVar variation 384309 (VCV000384309.4), dbSNP rs148959558, ClinGen allele CA8261405.

ClinVar aggregate classification (germline): Likely benign. Review status: criteria provided, multiple submitters, no conflicts (2 of 4 stars). 2 submissions from 2 submitters: Likely benign (2). Last evaluated 2024-01-02.

Allele frequency attached by ClinVar (database versions not stated): ExAC 0.00002; gnomAD 0.00003; TOPMed 0.00004; ESP Exome Variant Server 0.00015.
gnomAD v4.1: 12 of 1,613,826 alleles (0.00074%); highest among the groups gnomAD compares: African/African-American, 0.008%; no homozygotes.

Submissions (2):

Labcorp Genetics (formerly Invitae), Labcorp
Classification: Likely benign. Last evaluated: 2024-01-02. Review status: criteria provided, single submitter. Criteria: Invitae Variant Classification Sherloc (09022015). Collection method: clinical testing. Allele origin: germline.

GeneDx
Classification: Likely benign. Last evaluated: 2016-02-26. Review status: criteria provided, single submitter. Criteria: GeneDx Variant Classification (06012015). Collection method: clinical testing. Allele origin: germline. Affected: yes.
Comment: This variant is considered likely benign or benign based on one or more of the following criteria: it is a conservative change, it occurs at a poorly conserved position in the protein, it is predicted to be benign by multiple in silico algorithms, and/or has population frequency not consistent with disease.